The following is an entry in ClinVar:

NM_145290.4(ADGRA3):c.3193C>T (p.Arg1065Trp)

Gene: ADGRA3 (adhesion G protein-coupled receptor A3; minus strand). Cytogenetic location: 4p15.2.
Variant type: single nucleotide variant.
Coding change: c.3193C>T on transcript NM_145290.4 (MANE Select); coding-DNA position 3193, C replaced by T.
Protein change: p.Arg1065Trp; replaces arginine 1065 with tryptophan.
Molecular consequence: missense variant.
Genome position (GRCh38, 1-based): chr4:22,388,478, G>A on the plus strand (C>T on the coding strand, the complement: ADGRA3 is on the minus strand). VCF-style: chr4-22388478-G-A. GRCh37 (hg19) VCF-style: chr4-22390101-G-A.
Other names: short protein forms R1065W.
Identifiers: ClinVar variation 2092287 (VCV002092287.5), dbSNP rs748848943, ClinGen allele CA2873426.

ClinVar aggregate classification (germline): Uncertain significance. Review status: criteria provided, single submitter (1 of 4 stars). 2 submissions from 2 submitters: Uncertain significance (1). 1 of the submissions does not count toward it. Last evaluated 2023-05-23.

Conditions:
Retinal dystrophy. Also called: Inherited retinal dystrophy. Identifiers: Orphanet 71862, MedGen C0854723, MeSH D058499, MONDO:0019118, HP:0000556.

Allele frequency attached by ClinVar (database versions not stated): gnomAD exomes 0.00001; ExAC 0.00004.
gnomAD v4.1: 11 of 1,614,002 alleles (0.00068%); highest among the groups gnomAD compares: East Asian, 0.0045%; no homozygotes.

Submissions (2):

Labcorp Genetics (formerly Invitae), Labcorp
Classification: Uncertain significance. Last evaluated: 2023-05-23. Review status: criteria provided, single submitter. Criteria: Invitae Variant Classification Sherloc (09022015). Collection method: clinical testing. Allele origin: germline.
Comment: This sequence change replaces arginine, which is basic and polar, with tryptophan, which is neutral and slightly polar, at codon 1065 of the ADGRA3 protein (p.Arg1065Trp). This variant is present in population databases (rs748848943, gnomAD 0.01%). This variant has not been reported in the literature in individuals affected with ADGRA3-related conditions. ClinVar contains an entry for this variant (Variation ID: 2092287). An algorithm developed to predict the effect of missense changes on protein structure and function (PolyPhen-2) suggests that this variant is likely to be disruptive. In summary, the available evidence is currently insufficient to determine the role of this variant in disease. Therefore, it has been classified as a Variant of Uncertain Significance.

Institute of Human Genetics, Univ. Regensburg, Univ. Regensburg
Classification: Uncertain significance for Retinal dystrophy. Last evaluated: 2023-01-01. Review status: no assertion criteria provided. Criteria: ACMG Guidelines, 2015. Collection method: clinical testing. Allele origin: germline. Affected: yes. Not counted in ClinVar's aggregate classification.